The following is an entry in ClinVar:

NM_000051.4(ATM):c.6199-5T>A

Genes: C11orf65 (chromosome 11 open reading frame 65; minus strand), ATM (ATM serine/threonine kinase; plus strand). Cytogenetic location: 11q22.3.
Variant type: single nucleotide variant.
Coding change: c.6199-5T>A on transcript NM_000051.4 (MANE Select); 5 bases into the intron before coding-DNA position 6199, T replaced by A.
Molecular consequence: intron variant.
Genome position (GRCh38, 1-based): chr11:108,317,368, T>A. VCF-style: chr11-108317368-T-A. GRCh37 (hg19) VCF-style: chr11-108188095-T-A.
Other names: c.6199-5T>A (NM_001351834.2); c.641-8297A>T (NM_001330368.2); c.*39-8297A>T (NM_001351110.2).
Identifiers: ClinVar variation 481090 (VCV000481090.17), dbSNP rs1555114533, ClinGen allele CA658656197.

ClinVar aggregate classification (germline): Conflicting classifications of pathogenicity. Review status: criteria provided, conflicting classifications (1 of 4 stars). 3 submissions from 3 submitters: Uncertain significance (2); Likely benign (1). Last evaluated 2025-10-24.

Conditions:
Hereditary cancer-predisposing syndrome. Also called: Neoplastic Syndromes, Hereditary; Hereditary Cancer Syndrome; Tumor predisposition; Hereditary neoplastic syndrome. Identifiers: Orphanet 140162, MedGen C0027672, MeSH D009386, MONDO:0015356.
Ataxia-telangiectasia syndrome (AT). Also called: LOUIS-BAR SYNDROME; Cerebello-oculocutaneous telangiectasia; Immunodeficiency with ataxia telangiectasia; Ataxia-telangiectasia, complementation group D; AT, COMPLEMENTATION GROUP C; Ataxia-telangiectasia, complementation group E. Identifiers: Orphanet 100, MedGen C0004135, MONDO:0008840, OMIM 208900.

Allele frequency attached by ClinVar (database versions not stated): gnomAD exomes below 0.00001.
gnomAD v4.1: 1 of 1,610,296 alleles (0.000062%); highest among the groups gnomAD compares: Non-Finnish European, 0.000085%; no homozygotes.

Submissions (3):

Labcorp Genetics (formerly Invitae), Labcorp
Classification: Likely benign for Ataxia-telangiectasia syndrome. Last evaluated: 2025-10-24. Review status: criteria provided, single submitter. Criteria: Invitae Variant Classification Sherloc (09022015). Collection method: clinical testing. Allele origin: germline.

Ambry Genetics
Classification: Uncertain significance for Hereditary cancer-predisposing syndrome. Last evaluated: 2025-09-19. Review status: criteria provided, single submitter. Criteria: Ambry Variant Classification Scheme 2023. Collection method: clinical testing. Allele origin: germline.
Comment: The c.6199-5T>A intronic variant results from a T to A substitution 5 nucleotides upstream from coding exon 42 in the ATM gene. This nucleotide position is poorly conserved in available vertebrate species. In silico splice site analysis for this alteration is inconclusive and direct evidence is insufficient at this time (Ambry internal data). Based on the available evidence, the clinical significance of this variant remains unclear.

Color Diagnostics, LLC DBA Color Health
Classification: Uncertain significance for Hereditary cancer-predisposing syndrome. Last evaluated: 2018-12-10. Review status: criteria provided, single submitter. Criteria: ACMG Guidelines, 2015. Collection method: clinical testing. Allele origin: germline.